The following is an entry in ClinVar:

NM_001271.4(CHD2):c.5105A>G (p.Gln1702Arg)

Gene: CHD2 (chromodomain helicase DNA binding protein 2; plus strand). Cytogenetic location: 15q26.1.
Variant type: single nucleotide variant.
Coding change: c.5105A>G on transcript NM_001271.4 (MANE Select); coding-DNA position 5105, A replaced by G.
Protein change: p.Gln1702Arg; replaces glutamine 1702 with arginine.
Molecular consequence: missense variant.
Genome position (GRCh38, 1-based): chr15:93,020,210, A>G. VCF-style: chr15-93020210-A-G. GRCh37 (hg19) VCF-style: chr15-93563440-A-G.
Other names: short protein forms Q1702R.
Identifiers: ClinVar variation 423004 (VCV000423004.3), dbSNP rs1064796157, ClinGen allele CA16620060.

ClinVar aggregate classification (germline): Uncertain significance. Review status: criteria provided, multiple submitters, no conflicts (2 of 4 stars). 2 submissions from 2 submitters: Uncertain significance (2). Last evaluated 2023-04-04.

Submissions (2):

Blueprint Genetics
Classification: Uncertain significance. Last evaluated: 2023-04-04. Review status: criteria provided, single submitter. Criteria: ACMG Guidelines, 2015. Collection method: clinical testing. Allele origin: germline.

GeneDx
Classification: Uncertain significance. Last evaluated: 2017-01-09. Review status: criteria provided, single submitter. Criteria: GeneDx Variant Classification (06012015). Collection method: clinical testing. Allele origin: germline. Affected: yes.
Comment: A variant of uncertain significance has been identified in the CHD2 gene. The Q1702R variant has not been published as a pathogenic variant, nor has it been reported as a benign variant to our knowledge. The Q1702R variant is not observed in large population cohorts (Lek et al., 2016; 1000 Genomes Consortium et al., 2015; Exome Variant Server). The Q1702R variant is a semi-conservative amino acid substitution, which may impact secondary protein structure as these residues differ in some properties. Additionally, this substitution occurs at a position that is conserved in mammals. In silico analysis is inconsistent in its predictions as to whether or not the variant is damaging to the protein structure/function. Therefore, based on the currently available information, it is unclear whether this variant is a pathogenic variant or a rare benign variant.